The following is an entry in ClinVar:

ClinVar aggregate classification (germline): Uncertain significance (1 of 4 stars; one submission).

Submission:

GeneDx
Classification: Uncertain significance. Last evaluated: 2026-04-14. Review status: criteria provided, single submitter. Criteria: GeneDx Variant Classification Process June 2021. Collection method: clinical testing. Allele origin: germline.
Comment: Not observed at significant frequency in large population cohorts (gnomAD); In silico analysis supports that this missense variant has a deleterious effect on protein structure/function; Has not been previously published as pathogenic or benign to our knowledge

NM_001991.5(EZH1):c.1697A>G (p.Gln566Arg)

Gene: EZH1 (enhancer of zeste 1 polycomb repressive complex 2 subunit; minus strand). Cytogenetic location: 17q21.2.
Variant type: single nucleotide variant.
Coding change: c.1697A>G on transcript NM_001991.5 (MANE Select); coding-DNA position 1697, A replaced by G.
Protein change: p.Gln566Arg; replaces glutamine 566 with arginine.
Molecular consequence: missense variant.
Genome position (GRCh38, 1-based): chr17:42,706,149, T>C on the plus strand (A>G on the coding strand, the complement: EZH1 is on the minus strand). VCF-style: chr17-42706149-T-C. GRCh37 (hg19) VCF-style: chr17-40858167-T-C.
Other names: c.1715A>G, p.Gln572Arg (NM_001321079.2); c.1670A>G, p.Gln557Arg (NM_001321081.2); c.1577A>G, p.Gln526Arg (NM_001321082.2); short protein forms Q526R, Q557R, Q566R, Q572R.
Identifiers: ClinVar variation 5037204 (VCV005037204.1).